The following is an entry in ClinVar:

ClinVar aggregate classification (germline): Uncertain significance (1 of 4 stars; one submission).

Conditions:
AFF4-related disorder. Also called: AFF4-related condition.

gnomAD v4.1: 3 of 1,614,054 alleles (0.00019%); highest among the groups gnomAD compares: African/African-American, 0.0013%; no homozygotes.

Submission:

PreventionGenetics, part of Exact Sciences
Classification: Uncertain significance for AFF4-related condition. Last evaluated: 2025-01-08. Review status: criteria provided, single submitter. Criteria: ACMG Guidelines, 2015. Collection method: clinical testing. Allele origin: germline.
Comment: The AFF4 c.2356G>T variant is predicted to result in the amino acid substitution p.Asp786Tyr. To our knowledge, this variant has not been reported in the literature or in a large population database (gnomAD), indicating this variant is rare. At this time, the clinical significance of this variant is uncertain due to the absence of conclusive functional and genetic evidence.

NM_014423.4(AFF4):c.2356G>T (p.Asp786Tyr)

Gene: AFF4 (ALF transcription elongation factor 4; minus strand). Cytogenetic location: 5q31.1.
Variant type: single nucleotide variant.
Coding change: c.2356G>T on transcript NM_014423.4 (MANE Select); coding-DNA position 2356, G replaced by T.
Protein change: p.Asp786Tyr; replaces aspartic acid 786 with tyrosine.
Molecular consequence: missense variant.
Genome position (GRCh38, 1-based): chr5:132,893,070, C>A on the plus strand (G>T on the coding strand, the complement: AFF4 is on the minus strand). VCF-style: chr5-132893070-C-A. GRCh37 (hg19) VCF-style: chr5-132228762-C-A.
Other names: short protein forms D786Y.
Identifiers: ClinVar variation 5000517 (VCV005000517.1).